The following is an entry in ClinVar:

ClinVar aggregate classification (germline): Uncertain significance (1 of 4 stars; one submission).

Allele frequency attached by ClinVar (database versions not stated): TOPMed below 0.00001.

Submission:

Labcorp Genetics (formerly Invitae), Labcorp
Classification: Uncertain significance. Last evaluated: 2025-12-23. Review status: criteria provided, single submitter. Criteria: Invitae Variant Classification Sherloc (09022015). Collection method: clinical testing. Allele origin: germline.
Comment: This sequence change replaces aspartic acid, which is acidic and polar, with asparagine, which is neutral and polar, at codon 487 of the RELB protein (p.Asp487Asn). This variant is not present in population databases (gnomAD no frequency). This variant has not been reported in the literature in individuals affected with RELB-related conditions. ClinVar contains an entry for this variant (Variation ID: 1959524). An algorithm developed to predict the effect of missense changes on protein structure and function outputs the following: PolyPhen-2: "Benign". The asparagine amino acid residue is found in multiple mammalian species, which suggests that this missense change does not adversely affect protein function. In summary, the available evidence is currently insufficient to determine the role of this variant in disease. Therefore, it has been classified as a Variant of Uncertain Significance.

NM_006509.4(RELB):c.1459G>A (p.Asp487Asn)

Gene: RELB (RELB proto-oncogene, NF-kB subunit; plus strand). Cytogenetic location: 19q13.32.
Variant type: single nucleotide variant.
Coding change: c.1459G>A on transcript NM_006509.4 (MANE Select); coding-DNA position 1459, G replaced by A.
Protein change: p.Asp487Asn; replaces aspartic acid 487 with asparagine.
Molecular consequence: missense variant.
Genome position (GRCh38, 1-based): chr19:45,037,509, G>A. VCF-style: chr19-45037509-G-A. GRCh37 (hg19) VCF-style: chr19-45540767-G-A.
Other names: c.1450G>A, p.Asp484Asn (NM_001411087.1); short protein forms D484N, D487N.
Identifiers: ClinVar variation 1959524 (VCV001959524.5), dbSNP rs144038804, ClinGen allele CA406309179.